The following is an entry in ClinVar:

ClinVar aggregate classification (germline): Uncertain significance (1 of 4 stars; one submission).

Conditions:
Renal cell carcinoma. Identifiers: Orphanet 217071, MedGen C0007134, MeSH D002292, MONDO:0005086, HP:0005584.

Submission:

Labcorp Genetics (formerly Invitae), Labcorp
Classification: Uncertain significance for Renal cell carcinoma. Last evaluated: 2022-11-22. Review status: criteria provided, single submitter. Criteria: Invitae Variant Classification Sherloc (09022015). Collection method: clinical testing. Allele origin: germline.
Comment: In summary, the available evidence is currently insufficient to determine the role of this variant in disease. Therefore, it has been classified as a Variant of Uncertain Significance. Advanced modeling of protein sequence and biophysical properties (such as structural, functional, and spatial information, amino acid conservation, physicochemical variation, residue mobility, and thermodynamic stability) performed at Invitae indicates that this missense variant is not expected to disrupt MET protein function. ClinVar contains an entry for this variant (Variation ID: 1522449). This variant has not been reported in the literature in individuals affected with MET-related conditions. This variant is not present in population databases (gnomAD no frequency). This sequence change replaces aspartic acid, which is acidic and polar, with tyrosine, which is neutral and polar, at codon 208 of the MET protein (p.Asp208Tyr).

NM_000245.4(MET):c.622G>T (p.Asp208Tyr)

Gene: MET (MET proto-oncogene, receptor tyrosine kinase; plus strand). Cytogenetic location: 7q31.2.
Variant type: single nucleotide variant.
Coding change: c.622G>T on transcript NM_000245.4 (MANE Select); coding-DNA position 622, G replaced by T.
Protein change: p.Asp208Tyr; replaces aspartic acid 208 with tyrosine.
Molecular consequence: missense variant. On other transcripts: intron variant (1).
Genome position (GRCh38, 1-based): chr7:116,699,706, G>T. VCF-style: chr7-116699706-G-T. GRCh37 (hg19) VCF-style: chr7-116339760-G-T.
Other names: c.622G>T, p.Asp208Tyr (NM_001127500.3, NM_001324401.3); c.-91+27129G>T (NM_001324402.2); short protein forms D208Y.
Identifiers: ClinVar variation 1522449 (VCV001522449.6), dbSNP rs2116593557, ClinGen allele CA368969483.